The following is an entry in ClinVar:

NM_001267550.2(TTN):c.23099-2A>G

Gene: TTN (titin; minus strand). Cytogenetic location: 2q31.2.
Variant type: single nucleotide variant.
Coding change: c.23099-2A>G on transcript NM_001267550.2 (MANE Select); the canonical splice acceptor site of the intron before coding-DNA position 23099, A replaced by G.
Molecular consequence: splice acceptor variant. On other transcripts: intron variant (3).
Genome position (GRCh38, 1-based): chr2:178,720,665, T>C on the plus strand (A>G on the coding strand, the complement: TTN is on the minus strand). VCF-style: chr2-178720665-T-C. GRCh37 (hg19) VCF-style: chr2-179585392-T-C.
Other names: c.13282+17417A>G (NM_003319.4); c.13858+17417A>G (NM_133437.4); c.13657+17417A>G (NM_133432.3); c.19367-2A>G (NM_133378.4); c.22148-2A>G (NM_001256850.1).
Identifiers: ClinVar variation 1496145 (VCV001496145.8), dbSNP rs2154300788, ClinGen allele CA349516139.

ClinVar aggregate classification (germline): Likely pathogenic (1 of 4 stars; one submission).

Conditions:
Dilated cardiomyopathy 1G (CMD1G). Identifiers: Orphanet 154, MedGen C1858763, MONDO:0011400, OMIM 604145.
Autosomal recessive limb-girdle muscular dystrophy type 2J (LGMDR10). Also called: Limb-girdle muscular dystrophy, type 2J; MUSCULAR DYSTROPHY, LIMB-GIRDLE, AUTOSOMAL RECESSIVE 10. Identifiers: Orphanet 140922, MedGen C1837342, MONDO:0012127, OMIM 608807.

Submission:

Labcorp Genetics (formerly Invitae), Labcorp
Classification: Likely pathogenic for Dilated cardiomyopathy 1G; Autosomal recessive limb-girdle muscular dystrophy type 2J. Last evaluated: 2024-10-18. Review status: criteria provided, single submitter. Criteria: Invitae Variant Classification Sherloc (09022015). Collection method: clinical testing. Allele origin: germline.
Comment: This sequence change affects an acceptor splice site in intron 79 of the TTN gene. It is expected to disrupt RNA splicing and likely results in a truncated or disrupted TTN protein. This variant is not present in population databases (gnomAD no frequency). This variant has not been reported in the literature in individuals affected with TTN-related conditions. ClinVar contains an entry for this variant (Variation ID: 1496145). Algorithms developed to predict the effect of sequence changes on RNA splicing suggest that this variant may disrupt the consensus splice site. This variant is located in the I band of TTN (PMID: 25589632). Truncating variants in this region have been reported in individuals affected with autosomal recessive centronuclear myopathy (PMID: 23975875, internal data). Truncating variants in this region have also been identified in individuals affected with autosomal dominant dilated cardiomyopathy and/or cardio-related conditions (PMID: 27869827, 32964742, internal data). In summary, the currently available evidence indicates that the variant is pathogenic, but additional data are needed to prove that conclusively. Therefore, this variant has been classified as Likely Pathogenic.

Literature cited by the submitters: PubMed 25589632; PubMed 23975875; PubMed 27869827; PubMed 32964742.